The following is an entry in ClinVar:

ClinVar aggregate classification (germline): Uncertain significance (1 of 4 stars; one submission).

Submission:

GeneDx
Classification: Uncertain significance. Last evaluated: 2026-02-03. Review status: criteria provided, single submitter. Criteria: GeneDx Variant Classification Process June 2021. Collection method: clinical testing. Allele origin: germline.
Comment: Not observed at significant frequency in large population cohorts (gnomAD); In silico analysis suggests that this missense variant does not alter protein structure/function; Has not been previously published as pathogenic or benign to our knowledge

NM_002249.6(KCNN3):c.604G>A (p.Glu202Lys)

Gene: KCNN3 (potassium calcium-activated channel subfamily N member 3; minus strand). Cytogenetic location: 1q21.3.
Variant type: single nucleotide variant.
Coding change: c.604G>A on transcript NM_002249.6 (MANE Select); coding-DNA position 604, G replaced by A.
Protein change: p.Glu202Lys; replaces glutamic acid 202 with lysine.
Molecular consequence: missense variant.
Genome position (GRCh38, 1-based): chr1:154,869,361, C>T on the plus strand (G>A on the coding strand, the complement: KCNN3 is on the minus strand). VCF-style: chr1-154869361-C-T. GRCh37 (hg19) VCF-style: chr1-154841837-C-T.
Other names: c.604G>A, p.Glu202Lys (NM_001204087.2); short protein forms E202K.
Identifiers: ClinVar variation 4976152 (VCV004976152.1).